The following is an entry in ClinVar:

NM_000051.4(ATM):c.2910_2921+10del

Gene: ATM (ATM serine/threonine kinase; plus strand). Cytogenetic location: 11q22.3.
Variant type: Deletion.
Coding change: c.2910_2921+10del on transcript NM_000051.4 (MANE Select); coding-DNA position 2910 through 10 bases into the intron after coding-DNA position 2921, 22 bases deleted (GAAACCACTATCGTAAGAAATT).
Molecular consequence: splice donor variant.
Genome position (GRCh38, 1-based): chr11:108,271,135-108,271,156, GAAACCACTATCGTAAGAAATT deleted; deleting any 22 consecutive bases within chr11:108,271,134-108,271,156 gives the same sequence; the c. name uses the placement nearest the transcript's 3' end. VCF-style (leftmost placement, unchanged base first): chr11-108271133-CTGAAACCACTATCGTAAGAAAT-C. GRCh37 (hg19) VCF-style: chr11-108141860-CTGAAACCACTATCGTAAGAAAT-C.
Other names: c.2910_2921+10del (NM_001351834.2); c.2910_2921+10del22 (NM_000051.3).
Identifiers: ClinVar variation 2445936 (VCV002445936.1), dbSNP rs2497679363, ClinGen allele CA2580083207.

ClinVar aggregate classification (germline): Likely pathogenic (1 of 4 stars; one submission).

Conditions:
Malignant tumor of breast. Also called: Malignant breast neoplasm; Cancer breast. Identifiers: MedGen C0006142, MONDO:0007254. Disease mechanism: loss of function.

Submission:

Women's Health and Genetics/Laboratory Corporation of America, LabCorp
Classification: Likely pathogenic for Malignant tumor of breast. Last evaluated: 2023-02-21. Review status: criteria provided, single submitter. Criteria: LabCorp Variant Classification Summary - May 2015. Collection method: clinical testing. Allele origin: germline.
Comment: Variant summary: ATM c.2910_2921+10del22 is located in a canonical splice-site and is predicted to affect mRNA splicing resulting in a significantly altered protein due to either exon skipping, shortening, or inclusion of intronic material. Several computational tools predict a significant impact on normal splicing: Three predict the variant abolishes a 5 splicing donor site. However, these predictions have yet to be confirmed by functional studies. The variant was absent in 251396 control chromosomes. To our knowledge, no occurrence of c.2910_2921+10del22 in individuals affected with Breast Cancer and no experimental evidence demonstrating its impact on protein function have been reported. No clinical diagnostic laboratories have submitted clinical-significance assessments for this variant to ClinVar after 2014. Based on the evidence outlined above, the variant was classified as likely pathogenic.